The following is an entry in ClinVar:

NM_001039213.4(CEACAM16):c.546C>T (p.Asp182=)

Genes: CEACAM16 (CEA cell adhesion molecule 16, tectorial membrane component; plus strand), CEACAM16-AS1 (CEACAM16, CEACAM19 and PVR antisense RNA 1; minus strand). Cytogenetic location: 19q13.32.
Variant type: single nucleotide variant.
Coding change: c.546C>T on transcript NM_001039213.4 (MANE Select); coding-DNA position 546, C replaced by T.
Protein change: p.Asp182=; no amino-acid change (aspartic acid 182 retained).
Molecular consequence: synonymous variant.
Genome position (GRCh38, 1-based): chr19:44,704,181, C>T. VCF-style: chr19-44704181-C-T. GRCh37 (hg19) VCF-style: chr19-45207451-C-T.
Identifiers: ClinVar variation 227242 (VCV000227242.4), dbSNP rs747829770, ClinGen allele CA9503090.

ClinVar aggregate classification (germline): Likely benign (1 of 4 stars; one submission).

Allele frequency attached by ClinVar (database versions not stated): gnomAD 0.00006; TOPMed 0.00001; ExAC 0.00003.
gnomAD v4.1: 40 of 1,573,886 alleles (0.0025%); highest among the groups gnomAD compares: African/African-American, 0.0068%; no homozygotes.

Submission:

Laboratory for Molecular Medicine, Mass General Brigham Personalized Medicine
Classification: Likely benign. Last evaluated: 2015-04-28. Review status: criteria provided, single submitter. Criteria: LMM Criteria. Collection method: clinical testing. Allele origin: germline. Observed: 1 variant allele.
Comment: p.Asp182Asp in exon 4 of CEACAM16: This variant is not expected to have clinical significance because it does not alter an amino acid residue and is not located within the splice consensus sequence. It has been identified in 1/8540 South As ian chromosomes by the Exome Aggregation Consortium (ExAC).